The following is an entry in ClinVar:

ClinVar aggregate classification (germline): Uncertain significance (1 of 4 stars; one submission).

Conditions:
Emery-Dreifuss muscular dystrophy 5, autosomal dominant (EDMD5). Also called: EMERY-DREIFUSS MUSCULAR DYSTROPHY 5. Identifiers: Orphanet 261, MedGen C2751805, MONDO:0013072, OMIM 612999.

gnomAD v4.1: 1 of 1,614,066 alleles (0.000062%); highest among the groups gnomAD compares: East Asian, 0.0022%; no homozygotes.

Submission:

Labcorp Genetics (formerly Invitae), Labcorp
Classification: Uncertain significance for Emery-Dreifuss muscular dystrophy 5, autosomal dominant. Last evaluated: 2024-06-09. Review status: criteria provided, single submitter. Criteria: Invitae Variant Classification Sherloc (09022015). Collection method: clinical testing. Allele origin: germline.
Comment: This sequence change replaces glutamine, which is neutral and polar, with glutamic acid, which is acidic and polar, at codon 5979 of the SYNE2 protein (p.Gln5979Glu). This variant is not present in population databases (gnomAD no frequency). This variant has not been reported in the literature in individuals affected with SYNE2-related conditions. Algorithms developed to predict the effect of missense changes on protein structure and function output the following: SIFT: "Not Available"; PolyPhen-2: "Benign"; Align-GVGD: "Not Available". The glutamic acid amino acid residue is found in multiple mammalian species, which suggests that this missense change does not adversely affect protein function. In summary, the available evidence is currently insufficient to determine the role of this variant in disease. Therefore, it has been classified as a Variant of Uncertain Significance.

NM_182914.3(SYNE2):c.17935C>G (p.Gln5979Glu)

Gene: SYNE2 (spectrin repeat containing nuclear envelope protein 2; plus strand). Cytogenetic location: 14q23.2.
Variant type: single nucleotide variant.
Coding change: c.17935C>G on transcript NM_182914.3 (MANE Select); coding-DNA position 17935, C replaced by G.
Protein change: p.Gln5979Glu; replaces glutamine 5979 with glutamic acid.
Molecular consequence: missense variant.
Genome position (GRCh38, 1-based): chr14:64,190,134, C>G. VCF-style: chr14-64190134-C-G. GRCh37 (hg19) VCF-style: chr14-64656852-C-G.
Other names: c.17935C>G, p.Gln5979Glu (NM_015180.6); short protein forms Q5979E.
Identifiers: ClinVar variation 3683754 (VCV003683754.2).
Genomic context (GRCh38, chr14:64,190,134, plus strand): 5'-TGCATGGAAGAAATAAACTTGTTTAGTGAAAACAAGTTACAGTTAAAGCAGATGGGTGAC[C>G]AGTTGATCAAGGCCAGCAACAAATCAAGAGCAGCTGAGATCGATGACAAGCTCAACAAAA-3'
Protein context (NP_878918.2, residues 5969-5989): NKLQLKQMGD[Gln5979Glu]LIKASNKSRA